The following is an entry in ClinVar:

NM_001563.4(IMPG1):c.122G>T (p.Arg41Ile)

Gene: IMPG1 (interphotoreceptor matrix proteoglycan 1; minus strand). Cytogenetic location: 6q14.1.
Variant type: single nucleotide variant.
Coding change: c.122G>T on transcript NM_001563.4 (MANE Select); coding-DNA position 122, G replaced by T.
Protein change: p.Arg41Ile; replaces arginine 41 with isoleucine.
Molecular consequence: missense variant. On other transcripts: intron variant (1).
Genome position (GRCh38, 1-based): chr6:76,042,072, C>A on the plus strand (G>T on the coding strand, the complement: IMPG1 is on the minus strand). VCF-style: chr6-76042072-C-A. GRCh37 (hg19) VCF-style: chr6-76751789-C-A.
Other names: c.68-7285G>T (NM_001282368.2); short protein forms R41I.
Identifiers: ClinVar variation 2824206 (VCV002824206.3), dbSNP rs1783853715, ClinGen allele CA364829923.

ClinVar aggregate classification (germline): Uncertain significance (1 of 4 stars; one submission).

Submission:

Labcorp Genetics (formerly Invitae), Labcorp
Classification: Uncertain significance. Last evaluated: 2022-12-25. Review status: criteria provided, single submitter. Criteria: Invitae Variant Classification Sherloc (09022015). Collection method: clinical testing. Allele origin: germline.
Comment: In summary, the available evidence is currently insufficient to determine the role of this variant in disease. Therefore, it has been classified as a Variant of Uncertain Significance. Algorithms developed to predict the effect of missense changes on protein structure and function are either unavailable or do not agree on the potential impact of this missense change (SIFT: "Tolerated"; PolyPhen-2: "Possibly Damaging"; Align-GVGD: "Class C0"). This variant has not been reported in the literature in individuals affected with IMPG1-related conditions. This variant is not present in population databases (gnomAD no frequency). This sequence change replaces arginine, which is basic and polar, with isoleucine, which is neutral and non-polar, at codon 41 of the IMPG1 protein (p.Arg41Ile).